The following is an entry in ClinVar:

ClinVar aggregate classification (germline): Benign. Review status: criteria provided, multiple submitters, no conflicts (2 of 4 stars). 4 submissions from 4 submitters: Benign (3). 1 of the submissions does not count toward it. Last evaluated 2026-01-19.

Conditions:
CHD4-related disorder. Also called: CHD4-related condition.

Allele frequency attached by ClinVar (database versions not stated): ESP Exome Variant Server 0.00046; gnomAD exomes 0.00193 and 0.00516; TOPMed 0.00198; gnomAD 0.00239; 1000 Genomes Project 30x 0.00734; 1000 Genomes Project 0.00739.
gnomAD v4.1: 3,021 of 1,506,598 alleles (0.2%); highest among the groups gnomAD compares: East Asian, 3.5%; 24 homozygotes.

Submissions (4):

Labcorp Genetics (formerly Invitae), Labcorp
Classification: Benign. Last evaluated: 2026-01-19. Review status: criteria provided, single submitter. Criteria: Invitae Variant Classification Sherloc (09022015). Collection method: clinical testing. Allele origin: germline.

Genetic Services Laboratory, University of Chicago
Classification: Benign. Last evaluated: 2021-05-24. Review status: criteria provided, single submitter. Criteria: ACMG Guidelines, 2015. Collection method: clinical testing. Allele origin: germline. Affected: no.

Breakthrough Genomics
Classification: Benign. Review status: criteria provided, single submitter. Criteria: ACMG Guidelines, 2015. Collection method: not provided. Allele origin: germline. Inheritance: Autosomal dominant inheritance. Affected: yes.

PreventionGenetics, part of Exact Sciences
Classification: Benign for CHD4-related condition. Last evaluated: 2019-05-01. Review status: no assertion criteria provided. Collection method: clinical testing. Allele origin: germline. Not counted in ClinVar's aggregate classification.
Comment: This variant is classified as benign based on ACMG/AMP sequence variant interpretation guidelines (Richards et al. 2015 PMID: 25741868, with internal and published modifications).

NM_001273.5(CHD4):c.420T>G (p.Asp140Glu)

Gene: CHD4 (chromodomain helicase DNA binding protein 4; minus strand). Cytogenetic location: 12p13.31.
Variant type: single nucleotide variant.
Coding change: c.420T>G on transcript NM_001273.5 (MANE Select); coding-DNA position 420, T replaced by G.
Protein change: p.Asp140Glu; replaces aspartic acid 140 with glutamic acid.
Molecular consequence: missense variant.
Genome position (GRCh38, 1-based): chr12:6,601,978, A>C on the plus strand (T>G on the coding strand, the complement: CHD4 is on the minus strand). VCF-style: chr12-6601978-A-C. GRCh37 (hg19) VCF-style: chr12-6711144-A-C.
Other names: c.399T>G, p.Asp133Glu (NM_001297553.2); c.420T>G, p.Asp140Glu (NM_001363606.2); short protein forms D133E, D140E.
Identifiers: ClinVar variation 715881 (VCV000715881.16), dbSNP rs74790047, ClinGen allele CA6412521.